The following is an entry in ClinVar:

ClinVar aggregate classification (germline): Uncertain significance. Review status: criteria provided, single submitter (1 of 4 stars). 2 submissions from 2 submitters: Uncertain significance (1). 1 of the submissions does not count toward it. Last evaluated 2024-07-22.

Conditions:
Early-infantile DEE. Also called: Ohtahara syndrome; Early infantile epileptic encephalopathy; Early infantile epileptic encephalopathy with suppression bursts. Identifiers: Orphanet 1934, MedGen C0393706, MONDO:0800491.

Allele frequency attached by ClinVar (database versions not stated): gnomAD exomes below 0.00001.
gnomAD v4.1: 3 of 1,613,814 alleles (0.00019%); highest among the groups gnomAD compares: South Asian, 0.0022%; no homozygotes.

Submissions (2):

Labcorp Genetics (formerly Invitae), Labcorp
Classification: Uncertain significance for Early-infantile DEE. Last evaluated: 2024-07-22. Review status: criteria provided, single submitter. Criteria: Invitae Variant Classification Sherloc (09022015). Collection method: clinical testing. Allele origin: germline.
Comment: This sequence change replaces proline, which is neutral and non-polar, with threonine, which is neutral and polar, at codon 690 of the HCN1 protein (p.Pro690Thr). This variant is not present in population databases (gnomAD no frequency). This variant has not been reported in the literature in individuals affected with HCN1-related conditions. Advanced modeling of protein sequence and biophysical properties (such as structural, functional, and spatial information, amino acid conservation, physicochemical variation, residue mobility, and thermodynamic stability) performed at Invitae indicates that this missense variant is not expected to disrupt HCN1 protein function with a negative predictive value of 80%. In summary, the available evidence is currently insufficient to determine the role of this variant in disease. Therefore, it has been classified as a Variant of Uncertain Significance.

Genetics and Genomic Medicine Centre, NeuroGen Healthcare, NeuroGen Healthcare
Classification: Uncertain significance. Last evaluated: 2022-05-08. Review status: no assertion criteria provided. Collection method: clinical testing. Allele origin: unknown. Affected: yes. Not counted in ClinVar's aggregate classification.

NM_021072.4(HCN1):c.2068C>A (p.Pro690Thr)

Gene: HCN1 (hyperpolarization activated cyclic nucleotide gated potassium channel 1; minus strand). Cytogenetic location: 5p12.
Variant type: single nucleotide variant.
Coding change: c.2068C>A on transcript NM_021072.4 (MANE Select); coding-DNA position 2068, C replaced by A.
Protein change: p.Pro690Thr; replaces proline 690 with threonine.
Molecular consequence: missense variant.
Genome position (GRCh38, 1-based): chr5:45,262,526, G>T on the plus strand (C>A on the coding strand, the complement: HCN1 is on the minus strand). VCF-style: chr5-45262526-G-T. GRCh37 (hg19) VCF-style: chr5-45262628-G-T.
Other names: short protein forms P690T.
Identifiers: ClinVar variation 2664638 (VCV002664638.5), dbSNP rs2478182511, ClinGen allele CA359704119.